The following is an entry in ClinVar:

NM_001127208.3(TET2):c.2355T>G (p.Phe785Leu)

Genes: TET2 (tet methylcytosine dioxygenase 2; plus strand), TET2-AS1 (TET2 antisense RNA 1; minus strand). Cytogenetic location: 4q24.
Variant type: single nucleotide variant.
Coding change: c.2355T>G on transcript NM_001127208.3 (MANE Select); coding-DNA position 2355, T replaced by G.
Protein change: p.Phe785Leu; replaces phenylalanine 785 with leucine.
Molecular consequence: missense variant.
Genome position (GRCh38, 1-based): chr4:105,236,297, T>G. VCF-style: chr4-105236297-T-G. GRCh37 (hg19) VCF-style: chr4-106157454-T-G.
Other names: c.2355T>G, p.Phe785Leu (NM_017628.4); short protein forms F785L.
Identifiers: ClinVar variation 3967637 (VCV003967637.1).

ClinVar aggregate classification (germline): Uncertain significance (1 of 4 stars; one submission).

gnomAD v4.1: 4 of 1,613,992 alleles (0.00025%); highest among the groups gnomAD compares: Non-Finnish European, 0.00034%; no homozygotes.

Submission:

Ambry Genetics
Classification: Uncertain significance. Last evaluated: 2025-05-16. Review status: criteria provided, single submitter. Criteria: Ambry Variant Classification Scheme 2023. Collection method: clinical testing. Allele origin: germline.
Comment: The p.F785L variant (also known as c.2355T>G), located in coding exon 1 of the TET2 gene, results from a T to G substitution at nucleotide position 2355. The phenylalanine at codon 785 is replaced by leucine, an amino acid with highly similar properties. This amino acid position is conserved. In addition, this alteration is predicted to be tolerated by in silico analysis. Based on the available evidence, the clinical significance of this variant remains unclear.